The following is an entry in ClinVar:

NM_001042492.3(NF1):c.1481T>C (p.Leu494Ser)

Gene: NF1 (neurofibromin 1; plus strand). Cytogenetic location: 17q11.2.
Variant type: single nucleotide variant.
Coding change: c.1481T>C on transcript NM_001042492.3 (MANE Select); coding-DNA position 1481, T replaced by C.
Protein change: p.Leu494Ser; replaces leucine 494 with serine.
Molecular consequence: missense variant.
Genome position (GRCh38, 1-based): chr17:31,214,539, T>C. VCF-style: chr17-31214539-T-C. GRCh37 (hg19) VCF-style: chr17-29541557-T-C.
Other names: c.1481T>C, p.Leu494Ser (NM_000267.4, NM_001128147.3); short protein forms L494S.
Identifiers: ClinVar variation 2112098 (VCV002112098.4), dbSNP rs2143959905, ClinGen allele CA399001605.
Genomic context (GRCh38, chr17:31,214,539, plus strand): 5'-GCCTTAAATTTAAAGAAAAACCTACAGACCTGGAGACAAGAAGCTATAAGTATCTTCTCT[T>C]GTCCATGGTGAAACTAATTCATGCAGATCCAAAGCTCTTGCTTTGTGTAAGTATTTTTTT-3'
Protein context (NP_001035957.1, residues 484-504): LETRSYKYLL[Leu494Ser]SMVKLIHADP

ClinVar aggregate classification (germline): Uncertain significance (1 of 4 stars; one submission).

Conditions:
Neurofibromatosis, type 1 (NF1). Also called: NEUROFIBROMATOSIS, TYPE I, SOMATIC; Neurofibromatosis, type I; Peripheral type neurofibromatosis; VON RECKLINGHAUSEN DISEASE. Identifiers: Orphanet 636, MedGen C0027831, MONDO:0018975, OMIM 162200. Disease mechanism: loss of function.

Submission:

Labcorp Genetics (formerly Invitae), Labcorp
Classification: Uncertain significance for Neurofibromatosis, type 1. Last evaluated: 2025-02-27. Review status: criteria provided, single submitter. Criteria: Invitae Variant Classification Sherloc (09022015). Collection method: clinical testing. Allele origin: germline.
Comment: This sequence change replaces leucine, which is neutral and non-polar, with serine, which is neutral and polar, at codon 494 of the NF1 protein (p.Leu494Ser). This variant is not present in population databases (gnomAD no frequency). This variant has not been reported in the literature in individuals affected with NF1-related conditions. ClinVar contains an entry for this variant (Variation ID: 2112098). Invitae Evidence Modeling of protein sequence and biophysical properties (such as structural, functional, and spatial information, amino acid conservation, physicochemical variation, residue mobility, and thermodynamic stability) indicates that this missense variant is expected to disrupt NF1 protein function with a positive predictive value of 95%. In summary, the available evidence is currently insufficient to determine the role of this variant in disease. Therefore, it has been classified as a Variant of Uncertain Significance.